The following is an entry in ClinVar:

NM_177972.3(TUB):c.184C>T (p.Arg62Trp)

Gene: TUB (TUB bipartite transcription factor; plus strand). Cytogenetic location: 11p15.4.
Variant type: single nucleotide variant.
Coding change: c.184C>T on transcript NM_177972.3 (MANE Select); coding-DNA position 184, C replaced by T.
Protein change: p.Arg62Trp; replaces arginine 62 with tryptophan.
Molecular consequence: missense variant.
Genome position (GRCh38, 1-based): chr11:8,090,162, C>T. VCF-style: chr11-8090162-C-T. GRCh37 (hg19) VCF-style: chr11-8111709-C-T.
Other names: c.349C>T, p.Arg117Trp (NM_003320.5); short protein forms R62W, R117W.
Identifiers: ClinVar variation 853407 (VCV000853407.8), dbSNP rs767594017, ClinGen allele CA5870986.
Genomic context (GRCh38, chr11:8,090,162, plus strand): 5'-CGCCAGGAGCCCCTGATGGTGCAGGCCAATGCAGATGGGCGGCCCCGGAGCCGGCGGGCC[C>T]GGCAGTCAGAGGAACAAGCCCCCCTGGTGGAGTCCTACCTCAGCAGCAGTGGCAGCACCA-3'
Protein context (NP_813977.1, residues 52-72): ADGRPRSRRA[Arg62Trp]QSEEQAPLVE

ClinVar aggregate classification (germline): Uncertain significance. Review status: criteria provided, multiple submitters, no conflicts (2 of 4 stars). 2 submissions from 2 submitters: Uncertain significance (2). Last evaluated 2025-04-21.

gnomAD v4.1: 15 of 1,613,598 alleles (0.00093%); highest among the groups gnomAD compares: Non-Finnish European, 0.0011%; no homozygotes.

Submissions (2):

Ambry Genetics
Classification: Uncertain significance. Last evaluated: 2025-04-21. Review status: criteria provided, single submitter. Criteria: Ambry Variant Classification Scheme 2023. Collection method: clinical testing. Allele origin: germline.

Labcorp Genetics (formerly Invitae), Labcorp
Classification: Uncertain significance. Last evaluated: 2021-08-31. Review status: criteria provided, single submitter. Criteria: Invitae Variant Classification Sherloc (09022015). Collection method: clinical testing. Allele origin: germline.
Comment: This sequence change replaces arginine with tryptophan at codon 117 of the TUB protein (p.Arg117Trp). The arginine residue is weakly conserved and there is a moderate physicochemical difference between arginine and tryptophan. The frequency data for this variant in the population databases is considered unreliable, as metrics indicate poor data quality at this position in the ExAC database. This variant has not been reported in the literature in individuals affected with TUB-related conditions. Algorithms developed to predict the effect of missense changes on protein structure and function are either unavailable or do not agree on the potential impact of this missense change (SIFT: "Deleterious"; PolyPhen-2: "Possibly Damaging"; Align-GVGD: "Class C0"). In summary, the available evidence is currently insufficient to determine the role of this variant in disease. Therefore, it has been classified as a Variant of Uncertain Significance.